The following is an entry in ClinVar:

ClinVar aggregate classification (germline): Likely benign. Review status: criteria provided, single submitter (1 of 4 stars). 2 submissions from 2 submitters: Likely benign (1). 1 of the submissions does not count toward it. Last evaluated 2023-02-18.

Conditions:
NFKB1-related disorder. Also called: NFKB1-related condition.

Allele frequency attached by ClinVar (database versions not stated): TOPMed 0.00001.

Submissions (2):

Labcorp Genetics (formerly Invitae), Labcorp
Classification: Likely benign. Last evaluated: 2023-02-18. Review status: criteria provided, single submitter. Criteria: Invitae Variant Classification Sherloc (09022015). Collection method: clinical testing. Allele origin: germline.

PreventionGenetics, part of Exact Sciences
Classification: Likely benign for NFKB1-related condition. Last evaluated: 2019-05-08. Review status: no assertion criteria provided. Collection method: clinical testing. Allele origin: germline. Not counted in ClinVar's aggregate classification.
Comment: This variant is classified as likely benign based on ACMG/AMP sequence variant interpretation guidelines (Richards et al. 2015 PMID: 25741868, with internal and published modifications).

NM_003998.4(NFKB1):c.2228-6T>C

Gene: NFKB1 (nuclear factor kappa B subunit 1; plus strand). Cytogenetic location: 4q24.
Variant type: single nucleotide variant.
Coding change: c.2228-6T>C on transcript NM_003998.4 (MANE Select); 6 bases into the intron before coding-DNA position 2228, T replaced by C.
Molecular consequence: intron variant.
Genome position (GRCh38, 1-based): chr4:102,610,569, T>C. VCF-style: chr4-102610569-T-C. GRCh37 (hg19) VCF-style: chr4-103531726-T-C.
Other names: c.2228-6T>C (NM_003998.3, NM_001382626.1, NM_001382625.1); c.2225-6T>C (NM_001382627.1, NM_001165412.2, NM_001319226.2); c.2186-6T>C (NM_001382628.1).
Identifiers: ClinVar variation 2716216 (VCV002716216.4), dbSNP rs1728307914, ClinGen allele CA1481430673.